The following is an entry in ClinVar:

NM_012210.4(TRIM32):c.1155A>C (p.Val385=)

Genes: ASTN2 (astrotactin 2; minus strand), TRIM32 (tripartite motif containing 32; plus strand). Cytogenetic location: 9q33.1.
Variant type: single nucleotide variant.
Coding change: c.1155A>C on transcript NM_012210.4 (MANE Select); coding-DNA position 1155, A replaced by C.
Protein change: p.Val385=; no amino-acid change (valine 385 retained).
Molecular consequence: synonymous variant. On other transcripts: intron variant (3).
Genome position (GRCh38, 1-based): chr9:116,698,897, A>C. VCF-style: chr9-116698897-A-C. GRCh37 (hg19) VCF-style: chr9-119461176-A-C.
Other names: c.1155A>C, p.Val385= (NM_001099679.2, NM_001379048.1, NM_001379049.1 and 1 more transcripts); c.2653+26874T>G (NM_014010.5); c.2794+26874T>G (NM_001365069.1); c.2806+26874T>G (NM_001365068.1).
Identifiers: ClinVar variation 2199131 (VCV002199131.6), dbSNP rs757902820, ClinGen allele CA5211109.

ClinVar aggregate classification (germline): Likely benign. Review status: criteria provided, multiple submitters, no conflicts (2 of 4 stars). 3 submissions from 3 submitters: Likely benign (2). 1 of the submissions does not count toward it. Last evaluated 2025-03-31.

Conditions:
TRIM32-related disorder. Also called: TRIM32-related condition.
Bardet-Biedl syndrome (BBS). Identifiers: Orphanet 110, MedGen C0752166, MONDO:0015229.

Allele frequency attached by ClinVar (database versions not stated): ExAC 0.00001; gnomAD exomes 0.00001; TOPMed 0.00002.
gnomAD v4.1: 14 of 1,614,234 alleles (0.00087%); highest among the groups gnomAD compares: Non-Finnish European, 0.00042%; no homozygotes.

Submissions (3):

Labcorp Genetics (formerly Invitae), Labcorp
Classification: Likely benign for Bardet-Biedl syndrome. Last evaluated: 2025-03-31. Review status: criteria provided, single submitter. Criteria: Invitae Variant Classification Sherloc (09022015). Collection method: clinical testing. Allele origin: germline.

Blueprint Genetics
Classification: Likely benign. Last evaluated: 2023-02-08. Review status: criteria provided, single submitter. Criteria: ACMG Guidelines, 2015. Collection method: clinical testing. Allele origin: germline.

PreventionGenetics, part of Exact Sciences
Classification: Likely benign for TRIM32-related condition. Last evaluated: 2022-12-01. Review status: no assertion criteria provided. Collection method: clinical testing. Allele origin: germline. Not counted in ClinVar's aggregate classification.
Comment: This variant is classified as likely benign based on ACMG/AMP sequence variant interpretation guidelines (Richards et al. 2015 PMID: 25741868, with internal and published modifications).